The following is an entry in ClinVar:

ClinVar aggregate classification (germline): Uncertain significance. Review status: criteria provided, multiple submitters, no conflicts (2 of 4 stars). 2 submissions from 2 submitters: Uncertain significance (2). Last evaluated 2025-06-06.

Conditions:
Hereditary pancreatitis (PCTT). Also called: PRSS1-Related Hereditary Pancreatitis; Hereditary chronic pancreatitis. Identifiers: Orphanet 676, MedGen C0238339, MONDO:0008185, OMIM 167800.

Allele frequency attached by ClinVar (database versions not stated): gnomAD exomes below 0.00001.
gnomAD v4.1: 1 of 1,477,772 alleles (0.000068%); highest among the groups gnomAD compares: Admixed American, 0.002%; no homozygotes.

Submissions (2):

Ambry Genetics
Classification: Uncertain significance for Hereditary pancreatitis. Last evaluated: 2025-06-06. Review status: criteria provided, single submitter. Criteria: Ambry Variant Classification Scheme 2023. Collection method: clinical testing. Allele origin: germline.
Comment: The p.P17A variant (also known as c.49C>G), located in coding exon 2 of the PRSS1 gene, results from a C to G substitution at nucleotide position 49. The proline at codon 17 is replaced by alanine, an amino acid with highly similar properties. This amino acid position is not well conserved in available vertebrate species. In addition, this alteration is predicted to be tolerated by in silico analysis. Based on the available evidence, the clinical significance of this variant remains unclear.

Labcorp Genetics (formerly Invitae), Labcorp
Classification: Uncertain significance for Hereditary pancreatitis. Last evaluated: 2022-03-04. Review status: criteria provided, single submitter. Criteria: Invitae Variant Classification Sherloc (09022015). Collection method: clinical testing. Allele origin: germline.
Comment: This sequence change replaces proline, which is neutral and non-polar, with alanine, which is neutral and non-polar, at codon 17 of the PRSS1 protein (p.Pro17Ala). The frequency data for this variant in the population databases is considered unreliable, as metrics indicate poor data quality at this position in the gnomAD database. This variant has not been reported in the literature in individuals affected with PRSS1-related conditions. Algorithms developed to predict the effect of missense changes on protein structure and function are either unavailable or do not agree on the potential impact of this missense change (SIFT: "Deleterious"; PolyPhen-2: "Benign"; Align-GVGD: "Class C0"). In summary, the available evidence is currently insufficient to determine the role of this variant in disease. Therefore, it has been classified as a Variant of Uncertain Significance.

NM_002769.5(PRSS1):c.49C>G (p.Pro17Ala)

Genes: TRB (T cell receptor beta locus; plus strand), PRSS1 (serine protease 1; plus strand). Cytogenetic location: 7q34.
Variant type: single nucleotide variant.
Coding change: c.49C>G on transcript NM_002769.5 (MANE Select); coding-DNA position 49, C replaced by G.
Protein change: p.Pro17Ala; replaces proline 17 with alanine.
Molecular consequence: missense variant.
Genome position (GRCh38, 1-based): chr7:142,750,563, C>G. VCF-style: chr7-142750563-C-G. GRCh37 (hg19) VCF-style: chr7-142458414-C-G.
Other names: c.49C>G (NM_002769.4); short protein forms P17A.
Identifiers: ClinVar variation 1353181 (VCV001353181.7), dbSNP rs770782578, ClinGen allele CA369607034.